The following is an entry in ClinVar:

ClinVar aggregate classification (germline): Uncertain significance (1 of 4 stars; one submission).

Conditions:
Hereditary cancer-predisposing syndrome. Also called: Tumor predisposition; Neoplastic Syndromes, Hereditary; Hereditary Cancer Syndrome; Hereditary neoplastic syndrome. Identifiers: Orphanet 140162, MedGen C0027672, MeSH D009386, MONDO:0015356.

Submission:

Ambry Genetics
Classification: Uncertain significance for Hereditary cancer-predisposing syndrome. Last evaluated: 2025-01-09. Review status: criteria provided, single submitter. Criteria: Ambry Variant Classification Scheme 2023. Collection method: clinical testing. Allele origin: germline.
Comment: The p.N352I variant (also known as c.1055A>T), located in coding exon 7 of the MEN1 gene, results from an A to T substitution at nucleotide position 1055. The asparagine at codon 352 is replaced by isoleucine, an amino acid with dissimilar properties. This amino acid position is conserved. In addition, this alteration is predicted to be deleterious by in silico analysis. Based on the available evidence, the clinical significance of this variant remains unclear.

NM_001370259.2(MEN1):c.1055A>T (p.Asn352Ile)

Gene: MEN1 (menin 1; minus strand). Cytogenetic location: 11q13.1.
Variant type: single nucleotide variant.
Coding change: c.1055A>T on transcript NM_001370259.2 (MANE Select); coding-DNA position 1055, A replaced by T.
Protein change: p.Asn352Ile; replaces asparagine 352 with isoleucine.
Molecular consequence: missense variant. On other transcripts: non-coding transcript variant (4).
Genome position (GRCh38, 1-based): chr11:64,805,765, T>A on the plus strand (A>T on the coding strand, the complement: MEN1 is on the minus strand). VCF-style: chr11-64805765-T-A. GRCh37 (hg19) VCF-style: chr11-64573237-T-A.
Other names: c.1181A>T, p.Asn394Ile (NM_001370251.2, NM_001407142.1, NM_001407143.1 and 1 more transcripts); c.1055A>T, p.Asn352Ile (NM_001370260.2, NM_001370261.2, NM_001407146.1 and 3 more transcripts); c.1070A>T, p.Asn357Ile (NM_000244.4, NM_001407145.1, NM_130800.3 and 4 more transcripts); c.950A>T, p.Asn317Ile (NM_001370262.2, NM_001370263.2, NM_001407148.1 and 1 more transcripts); c.1196A>T, p.Asn399Ile (NM_001407150.1); c.1076A>T, p.Asn359Ile (NM_001407151.1); short protein forms N399I, N352I, N317I, N357I, N359I, N394I.
Identifiers: ClinVar variation 3872245 (VCV003872245.1).